The following is an entry in ClinVar:

ClinVar aggregate classification (germline): Uncertain significance (1 of 4 stars; one submission).

Conditions:
Hereditary cancer-predisposing syndrome. Also called: Tumor predisposition; Hereditary Cancer Syndrome; Hereditary neoplastic syndrome; Neoplastic Syndromes, Hereditary. Identifiers: Orphanet 140162, MedGen C0027672, MeSH D009386, MONDO:0015356.

Submission:

Ambry Genetics
Classification: Uncertain significance for Hereditary cancer-predisposing syndrome. Last evaluated: 2024-04-13. Review status: criteria provided, single submitter. Criteria: Ambry Variant Classification Scheme 2023. Collection method: clinical testing. Allele origin: germline.
Comment: The p.E491Q variant (also known as c.1471G>C), located in coding exon 9 of the MEN1 gene, results from a G to C substitution at nucleotide position 1471. The glutamic acid at codon 491 is replaced by glutamine, an amino acid with highly similar properties. This amino acid position is conserved. In addition, the in silico prediction for this alteration is inconclusive. Based on the available evidence, the clinical significance of this variant remains unclear.

NM_001370259.2(MEN1):c.1471G>C (p.Glu491Gln)

Gene: MEN1 (menin 1; minus strand). Cytogenetic location: 11q13.1.
Variant type: single nucleotide variant.
Coding change: c.1471G>C on transcript NM_001370259.2 (MANE Select); coding-DNA position 1471, G replaced by C.
Protein change: p.Glu491Gln; replaces glutamic acid 491 with glutamine.
Molecular consequence: missense variant. On other transcripts: non-coding transcript variant (4).
Genome position (GRCh38, 1-based): chr11:64,804,696, C>G on the plus strand (G>C on the coding strand, the complement: MEN1 is on the minus strand). VCF-style: chr11-64804696-C-G. GRCh37 (hg19) VCF-style: chr11-64572168-C-G.
Other names: c.1486G>C, p.Glu496Gln (NM_000244.4, NM_001407145.1, NM_130800.3 and 4 more transcripts); c.1597G>C, p.Glu533Gln (NM_001370251.2, NM_001407142.1, NM_001407143.1 and 1 more transcripts); c.1471G>C, p.Glu491Gln (NM_001370260.2, NM_001370261.2, NM_001407146.1 and 2 more transcripts); c.1366G>C, p.Glu456Gln (NM_001370262.2, NM_001370263.2, NM_001407148.1 and 1 more transcripts); c.1612G>C, p.Glu538Gln (NM_001407150.1); c.1492G>C, p.Glu498Gln (NM_001407151.1); c.1306G>C, p.Glu436Gln (NM_001407152.1); short protein forms E498Q, E538Q, E456Q, E491Q, E496Q, E533Q, E436Q.
Identifiers: ClinVar variation 3294208 (VCV003294208.1).